The following is an entry in ClinVar:

ClinVar aggregate classification (germline): Likely benign (0 of 4 stars; one submission).

Conditions:
MYCBP2-related disorder. Also called: MYCBP2-related condition.

Submission:

PreventionGenetics, part of Exact Sciences
Classification: Likely benign for MYCBP2-related condition. Last evaluated: 2019-12-06. Review status: no assertion criteria provided. Collection method: clinical testing. Allele origin: germline.
Comment: This variant is classified as likely benign based on ACMG/AMP sequence variant interpretation guidelines (Richards et al. 2015 PMID: 25741868, with internal and published modifications).

NM_015057.5(MYCBP2):c.5795-3dup

Gene: MYCBP2 (MYC binding protein 2; minus strand). Cytogenetic location: 13q22.3.
Variant type: Duplication.
Coding change: c.5795-3dup on transcript NM_015057.5 (MANE Select); 3 bases into the intron before coding-DNA position 5795, one base duplicated (T; older notation c.5795-3dupT).
Molecular consequence: intron variant.
Genome position (GRCh38, 1-based): chr13:77,169,717, A duplicated on the plus strand (T on the coding strand, the reverse complement: MYCBP2 is on the minus strand); the first of 7 consecutive A bases (chr13:77,169,717-77,169,723); duplicating any one gives the same sequence. VCF-style (leftmost placement, unchanged base first): chr13-77169716-T-TA. GRCh37 (hg19) VCF-style: chr13-77743851-T-TA.
Identifiers: ClinVar variation 3048404 (VCV003048404.2), dbSNP rs753847940, ClinGen allele CA7009394.